The following is an entry in ClinVar:

NM_004947.5(DOCK3):c.2236C>G (p.Arg746Gly)

Gene: DOCK3 (dedicator of cytokinesis 3; plus strand). Cytogenetic location: 3p21.2.
Variant type: single nucleotide variant.
Coding change: c.2236C>G on transcript NM_004947.5 (MANE Select); coding-DNA position 2236, C replaced by G.
Protein change: p.Arg746Gly; replaces arginine 746 with glycine.
Molecular consequence: missense variant.
Genome position (GRCh38, 1-based): chr3:51,260,207, C>G. VCF-style: chr3-51260207-C-G. GRCh37 (hg19) VCF-style: chr3-51297638-C-G.
Other names: short protein forms R746G.
Identifiers: ClinVar variation 4529710 (VCV004529710.2).

ClinVar aggregate classification (germline): Uncertain significance (1 of 4 stars; one submission).

gnomAD v4.1: 7 of 1,613,644 alleles (0.00043%); highest among the groups gnomAD compares: Middle Eastern, 0.016%; no homozygotes.

Submission:

GeneDx
Classification: Uncertain significance. Last evaluated: 2026-07-14. Review status: criteria provided, single submitter. Criteria: GeneDx Variant Classification Process June 2021. Collection method: clinical testing. Allele origin: germline.
Comment: Not observed at significant frequency in large population cohorts (gnomAD); In silico analysis supports that this missense variant has a deleterious effect on protein structure/function; Has not been previously published as pathogenic or benign to our knowledge